The following is an entry in ClinVar:

ClinVar aggregate classification (germline): Uncertain significance (1 of 4 stars; one submission).

Conditions:
Neuronopathy, distal hereditary motor, type 7A. Also called: HARPER-YOUNG MYOPATHY; HMN VIIA; NEURONOPATHY, DISTAL HEREDITARY MOTOR, HARDING TYPE VIIA; NEUROPATHY, DISTAL HEREDITARY MOTOR, HARDING TYPE VIIA; Neuronopathy, distal hereditary motor, autosomal dominant 7; Neuronopathy, distal hereditary motor, type viia. Identifiers: Orphanet 139589, MedGen C1834703, MONDO:0008024, OMIM 158580.
Congenital myasthenic syndrome 20. Also called: Myasthenic syndrome, congenital, 20, presynaptic. Identifiers: MedGen C4310694, MONDO:0014939, OMIM 617143.

Submission:

Labcorp Genetics (formerly Invitae), Labcorp
Classification: Uncertain significance for Neuronopathy, distal hereditary motor, type 7A; Congenital myasthenic syndrome 20. Last evaluated: 2022-06-27. Review status: criteria provided, single submitter. Criteria: Invitae Variant Classification Sherloc (09022015). Collection method: clinical testing. Allele origin: germline.
Comment: In summary, the available evidence is currently insufficient to determine the role of this variant in disease. Therefore, it has been classified as a Variant of Uncertain Significance. Algorithms developed to predict the effect of missense changes on protein structure and function (SIFT, PolyPhen-2, Align-GVGD) all suggest that this variant is likely to be tolerated. This variant has not been reported in the literature in individuals affected with SLC5A7-related conditions. This variant is not present in population databases (gnomAD no frequency). This sequence change replaces histidine, which is basic and polar, with glutamine, which is neutral and polar, at codon 221 of the SLC5A7 protein (p.His221Gln).

NM_021815.5(SLC5A7):c.663T>A (p.His221Gln)

Gene: SLC5A7 (solute carrier family 5 member 7; plus strand). Cytogenetic location: 2q12.3.
Variant type: single nucleotide variant.
Coding change: c.663T>A on transcript NM_021815.5 (MANE Select); coding-DNA position 663, T replaced by A.
Protein change: p.His221Gln; replaces histidine 221 with glutamine.
Molecular consequence: missense variant. On other transcripts: 5 prime UTR variant (1).
Genome position (GRCh38, 1-based): chr2:108,001,962, T>A. VCF-style: chr2-108001962-T-A. GRCh37 (hg19) VCF-style: chr2-108618418-T-A.
Other names: c.663T>A, p.His221Gln (NM_001305005.3); c.348T>A, p.His116Gln (NM_001305006.3); c.-79T>A (NM_001305007.3); short protein forms H221Q, H116Q.
Identifiers: ClinVar variation 1497580 (VCV001497580.6), dbSNP rs2104364491, ClinGen allele CA348112846.